The following is an entry in ClinVar:

NM_004055.5(CAPN5):c.1531C>T (p.Leu511Phe)

Gene: CAPN5 (calpain 5; plus strand). Cytogenetic location: 11q13.5.
Variant type: single nucleotide variant.
Coding change: c.1531C>T on transcript NM_004055.5 (MANE Select); coding-DNA position 1531, C replaced by T.
Protein change: p.Leu511Phe; replaces leucine 511 with phenylalanine.
Molecular consequence: missense variant.
Genome position (GRCh38, 1-based): chr11:77,121,977, C>T. VCF-style: chr11-77121977-C-T. GRCh37 (hg19) VCF-style: chr11-76833023-C-T.
Other names: short protein forms L511F.
Identifiers: ClinVar variation 954055 (VCV000954055.9), dbSNP rs868938624, ClinGen allele CA381943591.

ClinVar aggregate classification (germline): Uncertain significance (1 of 4 stars; one submission).

Submission:

Labcorp Genetics (formerly Invitae), Labcorp
Classification: Uncertain significance. Last evaluated: 2022-07-11. Review status: criteria provided, single submitter. Criteria: Invitae Variant Classification Sherloc (09022015). Collection method: clinical testing. Allele origin: germline.
Comment: This sequence change replaces leucine, which is neutral and non-polar, with phenylalanine, which is neutral and non-polar, at codon 511 of the CAPN5 protein (p.Leu511Phe). This variant is not present in population databases (gnomAD no frequency). This variant has not been reported in the literature in individuals affected with CAPN5-related conditions. In summary, the available evidence is currently insufficient to determine the role of this variant in disease. Therefore, it has been classified as a Variant of Uncertain Significance. ClinVar contains an entry for this variant (Variation ID: 954055). Algorithms developed to predict the effect of missense changes on protein structure and function are either unavailable or do not agree on the potential impact of this missense change (SIFT: "Deleterious"; PolyPhen-2: "Possibly Damaging"; Align-GVGD: "Class C0").